The following is an entry in ClinVar:

ClinVar aggregate classification (germline): Uncertain significance (1 of 4 stars; one submission).

Conditions:
Peroxisome biogenesis disorder, complementation group K (CGK). Identifiers: MedGen C1866257, MONDO:0800365.

Allele frequency attached by ClinVar (database versions not stated): gnomAD 0.00001; ExAC 0.00002; gnomAD exomes 0.00001; 1000 Genomes Project 30x 0.00031; 1000 Genomes Project 0.00020.
gnomAD v4.1: 18 of 1,612,492 alleles (0.0011%); highest among the groups gnomAD compares: South Asian, 0.0044%; no homozygotes.

Submission:

Labcorp Genetics (formerly Invitae), Labcorp
Classification: Uncertain significance for Peroxisome biogenesis disorder, complementation group K. Last evaluated: 2022-10-24. Review status: criteria provided, single submitter. Criteria: Invitae Variant Classification Sherloc (09022015). Collection method: clinical testing. Allele origin: germline.
Comment: This sequence change replaces arginine, which is basic and polar, with cysteine, which is neutral and slightly polar, at codon 42 of the PEX14 protein (p.Arg42Cys). This variant is present in population databases (rs540190684, gnomAD 0.003%). This variant has not been reported in the literature in individuals affected with PEX14-related conditions. ClinVar contains an entry for this variant (Variation ID: 1466989). Advanced modeling of protein sequence and biophysical properties (such as structural, functional, and spatial information, amino acid conservation, physicochemical variation, residue mobility, and thermodynamic stability) performed at Invitae indicates that this missense variant is expected to disrupt PEX14 protein function. In summary, the available evidence is currently insufficient to determine the role of this variant in disease. Therefore, it has been classified as a Variant of Uncertain Significance.

NM_004565.3(PEX14):c.124C>T (p.Arg42Cys)

Gene: PEX14 (peroxisomal biogenesis factor 14; plus strand). Cytogenetic location: 1p36.22.
Variant type: single nucleotide variant.
Coding change: c.124C>T on transcript NM_004565.3 (MANE Select); coding-DNA position 124, C replaced by T.
Protein change: p.Arg42Cys; replaces arginine 42 with cysteine.
Molecular consequence: missense variant.
Genome position (GRCh38, 1-based): chr1:10,536,252, C>T. VCF-style: chr1-10536252-C-T. GRCh37 (hg19) VCF-style: chr1-10596309-C-T.
Other names: short protein forms R42C.
Identifiers: ClinVar variation 1466989 (VCV001466989.3), dbSNP rs540190684, ClinGen allele CA583717.